The following is an entry in ClinVar:

NM_002336.3(LRP6):c.-7A>C

Genes: LRP6 (LDL receptor related protein 6; minus strand), LOC130007435 (ATAC-STARR-seq lymphoblastoid silent region 4251; plus strand). Cytogenetic location: 12p13.2.
Variant type: single nucleotide variant.
Coding change: c.-7A>C on transcript NM_002336.3 (MANE Select); 7 bases upstream of the start codon, A replaced by C.
Molecular consequence: 5 prime UTR variant. On other transcripts: non-coding transcript variant (1), intron variant (1).
Genome position (GRCh38, 1-based): chr12:12,266,742, T>G on the plus strand (A>C on the coding strand, the complement: LRP6 is on the minus strand). VCF-style: chr12-12266742-T-G. GRCh37 (hg19) VCF-style: chr12-12419676-T-G.
Other names: c.-7A>C (NM_001414244.1, NM_001414245.1, NM_001414246.1 and 6 more transcripts); c.-66A>C (NM_001414252.1); c.-456A>C (NM_001414254.1); c.-399+22A>C (NM_001414253.1).
Identifiers: ClinVar variation 4683731 (VCV004683731.1).

ClinVar aggregate classification (germline): Likely benign (1 of 4 stars; one submission).

gnomAD v4.1: 712 of 1,611,998 alleles (0.044%); highest among the groups gnomAD compares: Middle Eastern, 1.3%; 7 homozygotes.

Submission:

Mayo Clinic Laboratories, Mayo Clinic
Classification: Likely benign. Last evaluated: 2025-07-19. Review status: criteria provided, single submitter. Criteria: ACMG Guidelines, 2015. Collection method: clinical testing. Allele origin: germline. Observed: 2 variant alleles.
Comment: BS1, BP4, BP7